The following is an entry in ClinVar:

NM_015102.5(NPHP4):c.4075C>T (p.Arg1359Trp)

Gene: NPHP4 (nephrocystin 4; minus strand). Cytogenetic location: 1p36.31.
Variant type: single nucleotide variant.
Coding change: c.4075C>T on transcript NM_015102.5 (MANE Select); coding-DNA position 4075, C replaced by T.
Protein change: p.Arg1359Trp; replaces arginine 1359 with tryptophan.
Molecular consequence: missense variant. On other transcripts: non-coding transcript variant (1).
Genome position (GRCh38, 1-based): chr1:5,863,955, G>A on the plus strand (C>T on the coding strand, the complement: NPHP4 is on the minus strand). VCF-style: chr1-5863955-G-A. GRCh37 (hg19) VCF-style: chr1-5924015-G-A.
Other names: c.2536C>T, p.Arg846Trp (NM_001291593.2); c.2539C>T, p.Arg847Trp (NM_001291594.2); short protein forms R1359W, R846W, R847W.
Identifiers: ClinVar variation 190975 (VCV000190975.14), dbSNP rs369162678, ClinGen allele CA235731.

ClinVar aggregate classification (germline): Conflicting classifications of pathogenicity. Review status: criteria provided, conflicting classifications (1 of 4 stars). 6 submissions from 5 submitters: Likely pathogenic (1); Uncertain significance (5). Last evaluated 2025-11-14.

Conditions:
Nephronophthisis. Also called: Juvenile Nephronophthisis. Identifiers: Orphanet 655, MedGen C0687120, MONDO:0019005, HP:0000090.
Senior-Loken syndrome 4 (SLSN4). Identifiers: Orphanet 3156, MedGen C1846979, MONDO:0011756, OMIM 606996.
Nephronophthisis 4 (NPHP4). Also called: NEPHRONOPHTHISIS 4, JUVENILE. Identifiers: Orphanet 655, MedGen C1847013, MONDO:0011752, OMIM 606966.

Allele frequency attached by ClinVar (database versions not stated): gnomAD 0.00004 and 0.00005; TOPMed 0.00005; ESP Exome Variant Server 0.00008; 1000 Genomes Project 30x 0.00016; ExAC 0.00018; 1000 Genomes Project 0.00020.
gnomAD v4.1: 281 of 1,613,822 alleles (0.017%); highest among the groups gnomAD compares: South Asian, 0.069%; 2 homozygotes.

Submissions (6):

Labcorp Genetics (formerly Invitae), Labcorp
Classification: Uncertain significance for Nephronophthisis. Last evaluated: 2025-11-14. Review status: criteria provided, single submitter. Criteria: Invitae Variant Classification Sherloc (09022015). Collection method: clinical testing. Allele origin: germline.
Comment: This sequence change replaces arginine, which is basic and polar, with tryptophan, which is neutral and slightly polar, at codon 1359 of the NPHP4 protein (p.Arg1359Trp). This variant is present in population databases (rs369162678, gnomAD 0.08%), including at least one homozygous and/or hemizygous individual. This variant has not been reported in the literature in individuals affected with NPHP4-related conditions. ClinVar contains an entry for this variant (Variation ID: 190975). Invitae Evidence Modeling of protein sequence and biophysical properties (such as structural, functional, and spatial information, amino acid conservation, physicochemical variation, residue mobility, and thermodynamic stability) indicates that this missense variant is expected to disrupt NPHP4 protein function with a positive predictive value of 80%. In summary, the available evidence is currently insufficient to determine the role of this variant in disease. Therefore, it has been classified as a Variant of Uncertain Significance.

Fulgent Genetics
Classification: Uncertain significance for Nephronophthisis 4; Senior-Loken syndrome 4. Last evaluated: 2024-04-16. Review status: criteria provided, single submitter. Criteria: ACMG Guidelines, 2015. Collection method: clinical testing. Allele origin: germline.

GeneDx
Classification: Uncertain significance. Last evaluated: 2019-05-28. Review status: criteria provided, single submitter. Criteria: GeneDx Variant Classification Process June 2021. Collection method: clinical testing. Allele origin: germline. Affected: yes.
Comment: Identified in the heterozygous state in several individuals in a study to estimate carrier frequency for various Mendelian disorders in a large Saudi Arabian population (Abouelhoda et al., 2016); In silico analysis, which includes protein predictors and evolutionary conservation, supports a deleterious effect; This variant is associated with the following publications: (PMID: 27124789)

Illumina Laboratory Services, Illumina
Classification: Uncertain significance for Senior-Loken syndrome 4. Last evaluated: 2017-04-27. Review status: criteria provided, single submitter. Criteria: ICSL Variant Classification Criteria 13 December 2019. Collection method: clinical testing. Allele origin: germline.

Illumina Laboratory Services, Illumina
Classification: Uncertain significance for Nephronophthisis 4. Last evaluated: 2017-04-27. Review status: criteria provided, single submitter. Criteria: ICSL Variant Classification Criteria 13 December 2019. Collection method: clinical testing. Allele origin: germline.

Genomic Medicine Center of Excellence, King Faisal Specialist Hospital and Research Centre
Classification: Likely pathogenic. Review status: criteria provided, single submitter. Criteria: ACMG Guidelines, 2015. Collection method: research. Allele origin: germline. Affected: yes.